The following is an entry in ClinVar:

NM_000747.3(CHRNB1):c.982G>A (p.Val328Met)

Gene: CHRNB1 (cholinergic receptor nicotinic beta 1 subunit; plus strand). Cytogenetic location: 17p13.1.
Variant type: single nucleotide variant.
Coding change: c.982G>A on transcript NM_000747.3 (MANE Select); coding-DNA position 982, G replaced by A.
Protein change: p.Val328Met; replaces valine 328 with methionine.
Molecular consequence: missense variant.
Genome position (GRCh38, 1-based): chr17:7,454,458, G>A. VCF-style: chr17-7454458-G-A. GRCh37 (hg19) VCF-style: chr17-7357777-G-A.
Other names: c.982G>A (NM_000747.2); short protein forms V328M.
Identifiers: ClinVar variation 1023571 (VCV001023571.10), dbSNP rs865958957, ClinGen allele CA287431185.

ClinVar aggregate classification (germline): Uncertain significance. Review status: criteria provided, multiple submitters, no conflicts (2 of 4 stars). 3 submissions from 3 submitters: Uncertain significance (3). Last evaluated 2024-10-24.

Conditions:
Inborn genetic diseases. Identifiers: MedGen C0950123, MeSH D030342.
Congenital myasthenic syndrome 2A. Also called: Myasthenic syndrome, congenital, 2a, slow-channel. Identifiers: Orphanet 590, MedGen C4225374, MONDO:0014581, OMIM 616313.

Allele frequency attached by ClinVar (database versions not stated): gnomAD exomes below 0.00001; TOPMed below 0.00001.
gnomAD v4.1: 3 of 1,613,964 alleles (0.00019%); highest among the groups gnomAD compares: African/African-American, 0.0013%; no homozygotes.

Submissions (3):

Labcorp Genetics (formerly Invitae), Labcorp
Classification: Uncertain significance for Congenital myasthenic syndrome 2A. Last evaluated: 2024-10-24. Review status: criteria provided, single submitter. Criteria: Invitae Variant Classification Sherloc (09022015). Collection method: clinical testing. Allele origin: germline.
Comment: This sequence change replaces valine, which is neutral and non-polar, with methionine, which is neutral and non-polar, at codon 328 of the CHRNB1 protein (p.Val328Met). This variant is not present in population databases (gnomAD no frequency). This variant has not been reported in the literature in individuals affected with CHRNB1-related conditions. ClinVar contains an entry for this variant (Variation ID: 1023571). Invitae Evidence Modeling of protein sequence and biophysical properties (such as structural, functional, and spatial information, amino acid conservation, physicochemical variation, residue mobility, and thermodynamic stability) indicates that this missense variant is not expected to disrupt CHRNB1 protein function with a negative predictive value of 80%. In summary, the available evidence is currently insufficient to determine the role of this variant in disease. Therefore, it has been classified as a Variant of Uncertain Significance.

Ambry Genetics
Classification: Uncertain significance for Inborn genetic diseases. Last evaluated: 2023-12-27. Review status: criteria provided, single submitter. Criteria: Ambry Variant Classification Scheme 2023. Collection method: clinical testing. Allele origin: germline.

Blueprint Genetics
Classification: Uncertain significance. Last evaluated: 2019-04-30. Review status: criteria provided, single submitter. Criteria: ACMG Guidelines, 2015. Collection method: clinical testing. Allele origin: germline.